The following is an entry in ClinVar:

ClinVar aggregate classification (germline): Uncertain significance. Review status: criteria provided, multiple submitters, no conflicts (2 of 4 stars). 2 submissions from 2 submitters: Uncertain significance (2). Last evaluated 2025-05-18.

Conditions:
MHC class I deficiency. Identifiers: Orphanet 34592, MedGen C6024714, MONDO:0011476.

Allele frequency attached by ClinVar (database versions not stated): gnomAD exomes 0.00002; ExAC 0.00002.
gnomAD v4.1: 7 of 1,613,098 alleles (0.00043%); highest among the groups gnomAD compares: Admixed American, 0.0017%; no homozygotes.

Submissions (2):

Labcorp Genetics (formerly Invitae), Labcorp
Classification: Uncertain significance for MHC class I deficiency 1. Last evaluated: 2025-05-18. Review status: criteria provided, single submitter. Criteria: Invitae Variant Classification Sherloc (09022015). Collection method: clinical testing. Allele origin: germline.
Comment: This sequence change replaces glutamic acid, which is acidic and polar, with aspartic acid, which is acidic and polar, at codon 63 of the TAPBP protein (p.Glu63Asp). This variant is present in population databases (rs752556005, gnomAD 0.003%). This variant has not been reported in the literature in individuals affected with TAPBP-related conditions. ClinVar contains an entry for this variant (Variation ID: 840616). An algorithm developed to predict the effect of missense changes on protein structure and function (PolyPhen-2) suggests that this variant is likely to be tolerated. In summary, the available evidence is currently insufficient to determine the role of this variant in disease. Therefore, it has been classified as a Variant of Uncertain Significance.

Ambry Genetics
Classification: Uncertain significance. Last evaluated: 2025-04-01. Review status: criteria provided, single submitter. Criteria: Ambry Variant Classification Scheme 2023. Collection method: clinical testing. Allele origin: germline.

NM_003190.5(TAPBP):c.189G>C (p.Glu63Asp)

Gene: TAPBP (TAP binding protein; minus strand). Cytogenetic location: 6p21.32.
Variant type: single nucleotide variant.
Coding change: c.189G>C on transcript NM_003190.5 (MANE Select); coding-DNA position 189, G replaced by C.
Protein change: p.Glu63Asp; replaces glutamic acid 63 with aspartic acid.
Molecular consequence: missense variant.
Genome position (GRCh38, 1-based): chr6:33,313,713, C>G on the plus strand (G>C on the coding strand, the complement: TAPBP is on the minus strand). VCF-style: chr6-33313713-C-G. GRCh37 (hg19) VCF-style: chr6-33281490-C-G.
Other names: c.189G>C, p.Glu63Asp (NM_172208.3, NM_172209.3); short protein forms E63D.
Identifiers: ClinVar variation 840616 (VCV000840616.10), dbSNP rs752556005, ClinGen allele CA3755948.